The following is an entry in ClinVar:

NC_000012.11:g.(?_48535509)_(48538245_?)del

Gene: PFKM (phosphofructokinase, muscle; plus strand). Cytogenetic location: 12q13.11.
Variant type: Deletion.
Identifiers: ClinVar variation 3244230 (VCV003244230.1).

ClinVar aggregate classification (germline): Pathogenic (1 of 4 stars; one submission).

Conditions:
Glycogen storage disease, type VII (GSD7). Also called: GSD VII; MUSCLE PHOSPHOFRUCTOKINASE DEFICIENCY; PFKM DEFICIENCY; TARUI DISEASE. Identifiers: Orphanet 371, MedGen C0017926, MONDO:0009295, OMIM 232800.

Submission:

Labcorp Genetics (formerly Invitae), Labcorp
Classification: Pathogenic for Glycogen storage disease, type VII. Last evaluated: 2023-06-28. Review status: criteria provided, single submitter. Criteria: Invitae Variant Classification Sherloc (09022015). Collection method: clinical testing. Allele origin: unknown.
Comment: This variant is a gross deletion of the genomic region encompassing exon(s) 16-20 of the PFKM gene. This deletion is out-of-frame, and is expected to create a premature termination codon and result in an absent or disrupted protein product. Loss-of-function variants in PFKM are known to be pathogenic (PMID: 7825568, 8037209). This variant has not been reported in the literature in individuals affected with PFKM-related conditions. For these reasons, this variant has been classified as Pathogenic.

Literature cited by the submitters: PubMed 7825568; PubMed 8037209.